The following is an entry in ClinVar:

NM_001376.5(DYNC1H1):c.99C>G (p.His33Gln)

Gene: DYNC1H1 (dynein cytoplasmic 1 heavy chain 1; plus strand). Cytogenetic location: 14q32.31.
Variant type: single nucleotide variant.
Coding change: c.99C>G on transcript NM_001376.5 (MANE Select); coding-DNA position 99, C replaced by G.
Protein change: p.His33Gln; replaces histidine 33 with glutamine.
Molecular consequence: missense variant.
Genome position (GRCh38, 1-based): chr14:101,964,790, C>G. VCF-style: chr14-101964790-C-G. GRCh37 (hg19) VCF-style: chr14-102431127-C-G.
Other names: short protein forms H33Q.
Identifiers: ClinVar variation 2976999 (VCV002976999.4), dbSNP rs1347832786, ClinGen allele CA391003263.

ClinVar aggregate classification (germline): Uncertain significance. Review status: criteria provided, multiple submitters, no conflicts (2 of 4 stars). 2 submissions from 2 submitters: Uncertain significance (2). Last evaluated 2025-12-01.

Conditions:
Cortical dysplasia, complex, with other brain malformations 13. Also called: Intellectual disability, autosomal dominant 13. Identifiers: MedGen C3281202, MONDO:0013805, OMIM 614563.
Autosomal dominant childhood-onset proximal spinal muscular atrophy without contractures. Also called: KUGELBERG-WELANDER SYNDROME, AUTOSOMAL DOMINANT; SPINAL MUSCULAR ATROPHY, JUVENILE, PROXIMAL, AUTOSOMAL DOMINANT; Spinal muscular atrophy, lower extremity-predominant 1, AD; SPINAL MUSCULAR ATROPHY, CHILDHOOD, PROXIMAL, AUTOSOMAL DOMINANT. Identifiers: Orphanet 209341, Orphanet 363447, MedGen C5780022, MONDO:0008026, OMIM 158600.
Charcot-Marie-Tooth disease axonal type 2O. Also called: CHARCOT-MARIE-TOOTH NEUROPATHY, AXONAL, TYPE 2O; CHARCOT-MARIE-TOOTH DISEASE, AXONAL, AUTOSOMAL DOMINANT, TYPE 2O; Charcot-Marie-Tooth Neuropathy Type 2O; Charcot-Marie-Tooth disease, axonal, type 20. Identifiers: Orphanet 284232, MedGen C3280220, MONDO:0013644, OMIM 614228.

Allele frequency attached by ClinVar (database versions not stated): TOPMed below 0.00001; gnomAD 0.00001.
gnomAD v4.1: 1 of 1,602,726 alleles (0.000062%); highest among the groups gnomAD compares: Non-Finnish European, 0.000085%; no homozygotes.

Submissions (2):

Labcorp Genetics (formerly Invitae), Labcorp
Classification: Uncertain significance for Charcot-Marie-Tooth disease axonal type 2O. Last evaluated: 2025-12-01. Review status: criteria provided, single submitter. Criteria: Invitae Variant Classification Sherloc (09022015). Collection method: clinical testing. Allele origin: germline.
Comment: This sequence change replaces histidine, which is basic and polar, with glutamine, which is neutral and polar, at codon 33 of the DYNC1H1 protein (p.His33Gln). This variant is not present in population databases (gnomAD no frequency). This variant has not been reported in the literature in individuals affected with DYNC1H1-related conditions. ClinVar contains an entry for this variant (Variation ID: 2976999). Invitae Evidence Modeling of protein sequence and biophysical properties (such as structural, functional, and spatial information, amino acid conservation, physicochemical variation, residue mobility, and thermodynamic stability) indicates that this missense variant is not expected to disrupt DYNC1H1 protein function with a negative predictive value of 95%. In summary, the available evidence is currently insufficient to determine the role of this variant in disease. Therefore, it has been classified as a Variant of Uncertain Significance.

Fulgent Genetics
Classification: Uncertain significance for Autosomal dominant childhood-onset proximal spinal muscular atrophy without contractures; Charcot-Marie-Tooth disease axonal type 2O; Cortical dysplasia, complex, with other brain malformations 13. Last evaluated: 2024-06-17. Review status: criteria provided, single submitter. Criteria: ACMG Guidelines, 2015. Collection method: clinical testing. Allele origin: germline.